The following is an entry in ClinVar:

ClinVar aggregate classification (germline): Benign. Review status: criteria provided, multiple submitters, no conflicts (2 of 4 stars). 5 submissions from 4 submitters: Benign (4). 1 of the submissions does not count toward it. Last evaluated 2024-11-27.

Conditions:
PPP2R3C-related disorder. Also called: PPP2R3C-related condition.
Gonadal dysgenesis, dysmorphic facies, retinal dystrophy, and myopathy. Also called: MYOECTODERMAL GONADAL DYSGENESIS SYNDROME; BROSNAN-KENNERKNECHT-GURAN-KOC SYNDROME; 46,XY agonadism with mental retardation, short stature, retarded bone age, and multiple extragenital malformations; Kennerknecht syndrome. Identifiers: MedGen C5193085, MONDO:0032738, OMIM 618419.
Spermatogenic failure 36. Identifiers: MedGen C5193086, MONDO:0032739, OMIM 618420.

Allele frequency attached by ClinVar (database versions not stated): gnomAD exomes 0.35736 and 0.36591; ExAC 0.37173; gnomAD 0.38007 and 0.38354; ESP Exome Variant Server 0.38052; TOPMed 0.38622; 1000 Genomes Project 30x 0.40615; 1000 Genomes Project 0.40635.
gnomAD v4.1: 581,182 of 1,613,370 alleles (36%); highest among the groups gnomAD compares: Middle Eastern, 46%; 106,571 homozygotes.

Submissions (5):

Blueprint Genetics
Classification: Benign. Last evaluated: 2024-11-27. Review status: criteria provided, single submitter. Criteria: ACMG Guidelines, 2015. Collection method: clinical testing. Allele origin: germline.

Genome-Nilou Lab
Classification: Benign for Gonadal dysgenesis, dysmorphic facies, retinal dystrophy, and myopathy. Last evaluated: 2021-10-25. Review status: criteria provided, single submitter. Criteria: ACMG Guidelines, 2015. Collection method: clinical testing. Allele origin: germline. Affected: no.

Genome-Nilou Lab
Classification: Benign for Spermatogenic failure 36. Last evaluated: 2021-10-25. Review status: criteria provided, single submitter. Criteria: ACMG Guidelines, 2015. Collection method: clinical testing. Allele origin: germline. Affected: no.

Breakthrough Genomics
Classification: Benign. Review status: criteria provided, single submitter. Criteria: ACMG Guidelines, 2015. Collection method: not provided. Allele origin: germline. Inheritance: Autosomal recessive inheritance. Affected: yes.

PreventionGenetics, part of Exact Sciences
Classification: Benign for PPP2R3C-related condition. Last evaluated: 2019-11-04. Review status: no assertion criteria provided. Collection method: clinical testing. Allele origin: germline. Not counted in ClinVar's aggregate classification.
Comment: This variant is classified as benign based on ACMG/AMP sequence variant interpretation guidelines (Richards et al. 2015 PMID: 25741868, with internal and published modifications).

NM_017917.4(PPP2R3C):c.-9A>G

Genes: PPP2R3C (protein phosphatase 2 regulatory subunit B''gamma; minus strand), PRORP (protein only RNase P catalytic subunit; plus strand), PRORP-PSMA6 (PRORP-PSMA6 readthrough; plus strand), LOC126861916 (MED14-independent group 3 enhancer GRCh37_chr14:35590400-35591599; plus strand). Cytogenetic location: 14q13.2.
Variant type: single nucleotide variant.
Coding change: c.-9A>G on transcript NM_017917.4 (MANE Select); 9 bases upstream of the start codon, A replaced by G.
Molecular consequence: 5 prime UTR variant. On other transcripts: non-coding transcript variant (1).
Genome position (GRCh38, 1-based): chr14:35,121,968, T>C on the plus strand (A>G on the coding strand, the complement: PPP2R3C is on the minus strand). VCF-style: chr14-35121968-T-C. GRCh37 (hg19) VCF-style: chr14-35591174-T-C.
Other names: c.-211A>G (NM_001305155.2, NM_001305156.2).
Identifiers: ClinVar variation 1327440 (VCV001327440.6), dbSNP rs1056879, ClinGen allele CA7154609.